The following is an entry in ClinVar:

ClinVar aggregate classification (germline): Uncertain significance (1 of 4 stars; one submission).

gnomAD v4.1: 1 of 1,613,280 alleles (0.000062%); highest among the groups gnomAD compares: South Asian, 0.0011%; no homozygotes.

Submission:

Women's Health and Genetics/Laboratory Corporation of America, LabCorp
Classification: Uncertain significance. Last evaluated: 2025-11-25. Review status: criteria provided, single submitter. Criteria: LabCorp Variant Classification Summary - May 2015. Collection method: clinical testing. Allele origin: germline.
Comment: Variant summary: RANBP2 c.8036C>T (p.Thr2679Ile) results in a non-conservative amino acid change in the encoded protein sequence. Algorithms developed to predict the effect of missense changes on protein structure and function are either unavailable or do not agree on the potential impact of this missense change. The variant was absent in 250622 control chromosomes. The available data on variant occurrences in the general population are insufficient to allow any conclusion about variant significance. To our knowledge, no occurrence of c.8036C>T in individuals affected with RANBP2-related conditions and no experimental evidence demonstrating its impact on protein function have been reported. No submitters have cited clinical-significance assessments for this variant to ClinVar. Based on the evidence outlined above, the variant was classified as uncertain significance.

NM_006267.5(RANBP2):c.8036C>T (p.Thr2679Ile)

Gene: RANBP2 (RAN binding protein 2; plus strand). Cytogenetic location: 2q13.
Variant type: single nucleotide variant.
Coding change: c.8036C>T on transcript NM_006267.5 (MANE Select); coding-DNA position 8036, C replaced by T.
Protein change: p.Thr2679Ile; replaces threonine 2679 with isoleucine.
Molecular consequence: missense variant.
Genome position (GRCh38, 1-based): chr2:108,772,504, C>T. VCF-style: chr2-108772504-C-T. GRCh37 (hg19) VCF-style: chr2-109388960-C-T.
Other names: c.8114C>T, p.Thr2705Ile (NM_001415871.1); c.8033C>T, p.Thr2678Ile (NM_001415872.1); c.8036C>T, p.Thr2679Ile (NM_001415873.1); short protein forms T2678I, T2679I, T2705I.
Identifiers: ClinVar variation 4537199 (VCV004537199.1).